The following is an entry in ClinVar:

NM_001386393.1(PANK2):c.1094T>C (p.Met365Thr)

Gene: PANK2 (pantothenate kinase 2; plus strand). Cytogenetic location: 20p13.
Variant type: single nucleotide variant.
Coding change: c.1094T>C on transcript NM_001386393.1 (MANE Select); coding-DNA position 1094, T replaced by C.
Protein change: p.Met365Thr; replaces methionine 365 with threonine.
Molecular consequence: missense variant. On other transcripts: non-coding transcript variant (1).
Genome position (GRCh38, 1-based): chr20:3,916,938, T>C. VCF-style: chr20-3916938-T-C. GRCh37 (hg19) VCF-style: chr20-3897585-T-C.
Other names: c.551T>C, p.Met184Thr (NM_001324191.2, NM_024960.6, NM_153640.4); c.116T>C, p.Met39Thr (NM_001324193.2); c.1424T>C, p.Met475Thr (NM_153638.4); short protein forms M184T, M365T, M39T, M475T.
Identifiers: ClinVar variation 2138326 (VCV002138326.4), dbSNP rs2515521969, ClinGen allele CA408119242.
Genomic context (GRCh38, chr20:3,916,938, plus strand): 5'-GCTTTGTTGCTGTTGGTTTAGCAATGGGATTTTTTTTCCCCCATCACAGCTTTGGAAACA[T>C]GATGAGCAAGGAGAAGCGAGAGGCTGTCAGTAAAGAGGACCTGGCCAGAGCGACTTTGAT-3'
Protein context (NP_001373322.1, residues 355-375): GWAVASSFGN[Met365Thr]MSKEKREAVS

ClinVar aggregate classification (germline): Pathogenic (1 of 4 stars; one submission).

Conditions:
Pigmentary pallidal degeneration (NBIA1). Also called: PKAN NEUROAXONAL DYSTROPHY, JUVENILE-ONSET; Neurodegeneration with brain iron accumulation 1; HARP SYNDROME; Pantothenate Kinase-Associated Neurodegeneration; Neuroaxonal dystrophy, late infantile; Hallervorden-Spatz disease. Identifiers: Orphanet 157850, MedGen C0018523, MONDO:0009319, OMIM 234200.

Submission:

Labcorp Genetics (formerly Invitae), Labcorp
Classification: Pathogenic for Pigmentary pallidal degeneration. Last evaluated: 2022-10-17. Review status: criteria provided, single submitter. Criteria: Invitae Variant Classification Sherloc (09022015). Collection method: clinical testing. Allele origin: germline.
Comment: For these reasons, this variant has been classified as Pathogenic. Advanced modeling of protein sequence and biophysical properties (such as structural, functional, and spatial information, amino acid conservation, physicochemical variation, residue mobility, and thermodynamic stability) performed at Invitae indicates that this missense variant is expected to disrupt PANK2 protein function. This missense change has been observed in individual(s) with clinical features of PANK2-related conditions (PMID: 28781879). In at least one individual the data is consistent with being in trans (on the opposite chromosome) from a pathogenic variant. This variant is not present in population databases (gnomAD no frequency). This sequence change replaces methionine, which is neutral and non-polar, with threonine, which is neutral and polar, at codon 475 of the PANK2 protein (p.Met475Thr).

Literature cited by the submitters: PubMed 28781879.